The following is an entry in ClinVar:

ClinVar aggregate classification (germline): Benign (1 of 4 stars; one submission).

Conditions:
Fibrous dysplasia of jaw (CRBM). Also called: Cherubism. Identifiers: Orphanet 184, MedGen C0008029, MONDO:0007315, OMIM 118400.

Allele frequency attached by ClinVar (database versions not stated): 1000 Genomes Project 0.00280; gnomAD 0.00303 and 0.00319; 1000 Genomes Project 30x 0.00312; TOPMed 0.00330.

Submission:

Illumina Laboratory Services, Illumina
Classification: Benign for Fibrous dysplasia of jaw. Last evaluated: 2018-01-13. Review status: criteria provided, single submitter. Criteria: ICSL Variant Classification Criteria 13 December 2019. Collection method: clinical testing. Allele origin: germline.
Comment: This variant was observed in the ICSL laboratory as part of a predisposition screen in an ostensibly healthy population. It had not been previously curated by ICSL or reported in the Human Gene Mutation Database (HGMD: prior to June 1st, 2018), and was therefore a candidate for classification through an automated scoring system. Utilizing variant allele frequency, disease prevalence and penetrance estimates, and inheritance mode, an automated score was calculated to assess if this variant is too frequent to cause the disease. Based on the score and internal cut-off values, a variant classified as benign is not then subjected to further curation. The score for this variant resulted in a classification of benign for this disease.

NM_001122681.2(SH3BP2):c.*1910C>T

Gene: SH3BP2 (SH3 domain binding protein 2; plus strand). Cytogenetic location: 4p16.3.
Variant type: single nucleotide variant.
Coding change: c.*1910C>T on transcript NM_001122681.2 (MANE Select); 1910 bases downstream of the stop codon, C replaced by T.
Molecular consequence: 3 prime UTR variant.
Genome position (GRCh38, 1-based): chr4:2,835,744, C>T. VCF-style: chr4-2835744-C-T. GRCh37 (hg19) VCF-style: chr4-2837471-C-T.
Other names: c.*1910C>T (LRG_1334t1, LRG_1334t2, NM_001145855.2 and 2 more transcripts).
Identifiers: ClinVar variation 348624 (VCV000348624.5), dbSNP rs553613222, ClinGen allele CA10618619.
Genomic context (GRCh38, chr4:2,835,744, plus strand): 5'-CCGTGATCTCCGCTCACTGCCACCTCCGCCTCTCTAGTTCAAGCGATTTTCCTGCCTCAG[C>T]CTCCCGAGTAGCTGGGATTCCAGGCGCCCGCCACCACGCCTGGCTAATTTTTTGTATTTT-3'